The following is an entry in ClinVar:

NM_001283009.2(RTEL1):c.3590G>C (p.Gly1197Ala)

Genes: RTEL1 (regulator of telomere elongation helicase 1; plus strand), RTEL1-TNFRSF6B (RTEL1-TNFRSF6B readthrough (NMD candidate); plus strand). Cytogenetic location: 20q13.33.
Variant type: single nucleotide variant.
Coding change: c.3590G>C on transcript NM_001283009.2 (MANE Select); coding-DNA position 3590, G replaced by C.
Protein change: p.Gly1197Ala; replaces glycine 1197 with alanine.
Molecular consequence: missense variant. On other transcripts: non-coding transcript variant (1).
Genome position (GRCh38, 1-based): chr20:63,695,418, G>C. VCF-style: chr20-63695418-G-C. GRCh37 (hg19) VCF-style: chr20-62326771-G-C.
Other names: c.2921G>C, p.Gly974Ala (NM_001283010.1); c.3590G>C, p.Gly1197Ala (NM_016434.4); c.3662G>C, p.Gly1221Ala (NM_032957.5); short protein forms G1221A, G1197A, G974A.
Identifiers: ClinVar variation 573419 (VCV000573419.13), dbSNP rs138500086, ClinGen allele CA9966135.
Genomic context (GRCh38, chr20:63,695,418, plus strand): 5'-CCCAGAGCAAGATCTCGTCCTTCCTTAGACAGAGGCCAGCAGGGACTGTGGGGGCGGGCG[G>C]TGAGGATGCAGGTCCCAGCCAGTCCTCAGGACCTCCCCACGGGCCTGCAGCATCTGAGTG-3'
Protein context (NP_001269938.1, residues 1187-1207): QRPAGTVGAG[Gly1197Ala]EDAGPSQSSG

ClinVar aggregate classification (germline): Uncertain significance. Review status: criteria provided, multiple submitters, no conflicts (2 of 4 stars). 6 submissions from 6 submitters: Uncertain significance (5). 1 of the submissions does not count toward it. Last evaluated 2026-02-01.

Conditions:
Dyskeratosis congenita, autosomal recessive 5 (DKCB5). Identifiers: MedGen C3554656, MONDO:0014076, OMIM 615190.
Pulmonary fibrosis and/or bone marrow failure, Telomere-related, 3. Also called: PULMONARY FIBROSIS AND/OR BONE MARROW FAILURE SYNDROME, TELOMERE-RELATED, 3. Identifiers: Orphanet 2032, MedGen C4225346, MONDO:0014613, OMIM 616373.
Dyskeratosis congenita. Identifiers: Orphanet 1775, MedGen C0265965, MONDO:0015780.

Allele frequency attached by ClinVar (database versions not stated): gnomAD exomes 0.00008 and 0.00017; ESP Exome Variant Server 0.00015; ExAC 0.00021; gnomAD 0.00031; TOPMed 0.00063; 1000 Genomes Project 30x 0.00078; 1000 Genomes Project 0.00080.
gnomAD v4.1: 176 of 1,562,816 alleles (0.011%); highest among the groups gnomAD compares: Admixed American, 0.14%; 1 homozygote.

Submissions (6):

Labcorp Genetics (formerly Invitae), Labcorp
Classification: Uncertain significance for Dyskeratosis congenita, autosomal recessive 5; Pulmonary fibrosis and/or bone marrow failure, Telomere-related, 3. Last evaluated: 2026-02-01. Review status: criteria provided, single submitter. Criteria: Invitae Variant Classification Sherloc (09022015). Collection method: clinical testing. Allele origin: germline.
Comment: This sequence change replaces glycine, which is neutral and non-polar, with alanine, which is neutral and non-polar, at codon 1197 of the RTEL1 protein (p.Gly1197Ala). This variant is present in population databases (rs138500086, gnomAD 0.07%). This variant has not been reported in the literature in individuals affected with RTEL1-related conditions. This variant is also known as c.3662G>C (p.Gly1221Ala). ClinVar contains an entry for this variant (Variation ID: 573419). An algorithm developed to predict the effect of missense changes on protein structure and function outputs the following: PolyPhen-2: "Benign". The alanine amino acid residue is found in multiple mammalian species, which suggests that this missense change does not adversely affect protein function. In summary, the available evidence is currently insufficient to determine the role of this variant in disease. Therefore, it has been classified as a Variant of Uncertain Significance.

Blueprint Genetics
Classification: Uncertain significance. Last evaluated: 2024-05-06. Review status: criteria provided, single submitter. Criteria: ACMG Guidelines, 2015. Collection method: clinical testing. Allele origin: germline.

GeneDx
Classification: Uncertain significance. Last evaluated: 2023-02-09. Review status: criteria provided, single submitter. Criteria: GeneDx Variant Classification Process June 2021. Collection method: clinical testing. Allele origin: germline. Affected: yes.
Comment: Observed in an individual with nonalcoholic fatty liver disease associated hepatocellular carcinoma in published literature (Pelusi 2019); In silico analysis supports that this missense variant does not alter protein structure/function; This variant is associated with the following publications: (PMID: 30842500)

Sema4
Classification: Uncertain significance for Dyskeratosis congenita. Last evaluated: 2021-05-03. Review status: criteria provided, single submitter. Criteria: Sema4 Curation Guidelines. Collection method: curation. Allele origin: germline.
Comment: The RTEL1 c.3590G>C (p.G1197A) variant has not been reported in the literature to our knowledge. It was observed in 21/30890 chromosomes in the Latino subpopulation in the large and broad cohorts of the Genome Aggregation Database (PMID: 32461654). The variant has been reported in ClinVar (Variation ID: 573419). In silico tools suggest the impact of the variant on protein function is benign, though these predictions have not been confirmed by functional studies. The evidence is insufficient to meet ACMG/AMP criteria for classifying the variant as benign or pathogenic. Thus, the clinical significance of this variant is currently uncertain.

Revvity Omics, Revvity
Classification: Uncertain significance. Last evaluated: 2019-11-26. Review status: criteria provided, single submitter. Criteria: ACMG Guidelines, 2015. Collection method: clinical testing. Allele origin: germline.

Natera, Inc.
Classification: Uncertain significance for Dyskeratosis congenita. Last evaluated: 2020-09-16. Review status: no assertion criteria provided. Collection method: clinical testing. Allele origin: germline. Not counted in ClinVar's aggregate classification.